The following is an entry in ClinVar:

ClinVar aggregate classification (germline): Uncertain significance (1 of 4 stars; one submission).

Submission:

Ambry Genetics
Classification: Uncertain significance. Last evaluated: 2022-07-12. Review status: criteria provided, single submitter. Criteria: Ambry Variant Classification Scheme 2023. Collection method: clinical testing. Allele origin: germline.
Comment: The p.Y274S variant (also known as c.821A>C), located in coding exon 1 of the EGLN2 gene, results from an A to C substitution at nucleotide position 821. The tyrosine at codon 274 is replaced by serine, an amino acid with dissimilar properties. This amino acid position is conserved. In addition, the in silico prediction for this alteration is inconclusive. Since supporting evidence is limited at this time, the clinical significance of this alteration remains unclear.

NM_080732.4(EGLN2):c.821A>C (p.Tyr274Ser)

Genes: EGLN2 (egl-9 family hypoxia inducible factor 2; plus strand), RAB4B-EGLN2 (RAB4B-EGLN2 readthrough (NMD candidate); plus strand). Cytogenetic location: 19q13.2.
Variant type: single nucleotide variant.
Coding change: c.821A>C on transcript NM_080732.4 (MANE Select); coding-DNA position 821, A replaced by C.
Protein change: p.Tyr274Ser; replaces tyrosine 274 with serine.
Molecular consequence: missense variant. On other transcripts: non-coding transcript variant (1).
Genome position (GRCh38, 1-based): chr19:40,801,393, A>C. VCF-style: chr19-40801393-A-C. GRCh37 (hg19) VCF-style: chr19-41307298-A-C.
Other names: c.821A>C, p.Tyr274Ser (NM_053046.4); short protein forms Y274S.
Identifiers: ClinVar variation 1762494 (VCV001762494.2), dbSNP rs748906273, ClinGen allele CA405956041.